The following is an entry in ClinVar:

NM_017777.4(MKS1):c.323G>A (p.Arg108His)

Gene: MKS1 (MKS transition zone complex subunit 1; minus strand). Cytogenetic location: 17q22.
Variant type: single nucleotide variant.
Coding change: c.323G>A on transcript NM_017777.4 (MANE Select); coding-DNA position 323, G replaced by A.
Protein change: p.Arg108His; replaces arginine 108 with histidine.
Molecular consequence: missense variant. On other transcripts: 5 prime UTR variant (1).
Genome position (GRCh38, 1-based): chr17:58,216,182, C>T on the plus strand (G>A on the coding strand, the complement: MKS1 is on the minus strand). VCF-style: chr17-58216182-C-T. GRCh37 (hg19) VCF-style: chr17-56293543-C-T.
Other names: c.323G>A (NM_017777.3); c.-189G>A (NM_001321268.2); c.323G>A, p.Arg108His (NM_001321269.2, NM_001330397.2); short protein forms R108H.
Identifiers: ClinVar variation 289531 (VCV000289531.18), dbSNP rs200331553, ClinGen allele CA8669565.

ClinVar aggregate classification (germline): Conflicting classifications of pathogenicity. Review status: criteria provided, conflicting classifications (1 of 4 stars). 5 submissions from 5 submitters: Uncertain significance (2); Likely benign (2). 1 of the submissions does not count toward it. Last evaluated 2026-01-26.

Conditions:
MKS1-related disorder. Also called: MKS1-related condition; MKS1-related disorders. Identifiers: MedGen CN239382.
Joubert syndrome 28 (JBTS28). Identifiers: MedGen C4310705, MONDO:0014928, OMIM 617121.
Bardet-Biedl syndrome 13 (BBS13). Identifiers: Orphanet 110, MedGen C2673873, MONDO:0014441, OMIM 615990.
Meckel syndrome, type 1 (MKS1). Also called: MECKEL-GRUBER SYNDROME, TYPE 1. Identifiers: Orphanet 564, MedGen C3714506, MONDO:0009571, OMIM 249000.
Meckel-Gruber syndrome. Also called: DYSENCEPHALIA SPLANCHNOCYSTICA; GRUBER SYNDROME; Dysencephalia splachnocystica. Identifiers: Orphanet 564, MedGen C0265215, MONDO:0018921.
Joubert syndrome. Also called: JOUBERT-BOLTSHAUSER SYNDROME; Familial aplasia of the vermis. Identifiers: Orphanet 475, MedGen C5979921, MONDO:0018772.

Allele frequency attached by ClinVar (database versions not stated): ESP Exome Variant Server 0.00008; gnomAD 0.00008 and 0.00011; TOPMed 0.00012; ExAC 0.00017; gnomAD exomes 0.00017; 1000 Genomes Project 0.00060; 1000 Genomes Project 30x 0.00078.
gnomAD v4.1: 93 of 1,613,966 alleles (0.0058%); highest among the groups gnomAD compares: East Asian, 0.12%; no homozygotes.

Submissions (5):

Labcorp Genetics (formerly Invitae), Labcorp
Classification: Likely benign for Joubert syndrome; Meckel-Gruber syndrome. Last evaluated: 2026-01-26. Review status: criteria provided, single submitter. Criteria: Invitae Variant Classification Sherloc (09022015). Collection method: clinical testing. Allele origin: germline.

Blueprint Genetics
Classification: Likely benign. Last evaluated: 2024-05-21. Review status: criteria provided, single submitter. Criteria: ACMG Guidelines, 2015. Collection method: clinical testing. Allele origin: germline.

Fulgent Genetics
Classification: Uncertain significance for Meckel syndrome, type 1; Bardet-Biedl syndrome 13; Joubert syndrome 28. Last evaluated: 2024-02-05. Review status: criteria provided, single submitter. Criteria: ACMG Guidelines, 2015. Collection method: clinical testing. Allele origin: germline.

Eurofins Ntd Llc (ga)
Classification: Uncertain significance. Last evaluated: 2016-07-14. Review status: criteria provided, single submitter. Criteria: EGL Classification Definitions 2015. Collection method: clinical testing. Allele origin: germline. Observed: 2 variant alleles, 2 heterozygotes.

PreventionGenetics, part of Exact Sciences
Classification: Uncertain significance for MKS1-related condition. Last evaluated: 2024-03-22. Review status: no assertion criteria provided. Collection method: clinical testing. Allele origin: germline. Not counted in ClinVar's aggregate classification.
Comment: The MKS1 c.323G>A variant is predicted to result in the amino acid substitution p.Arg108His. This variant along with a second variant in the MKS1 gene was reported in an individual with Joubert syndrome (Table S1, Sun et al. 2018. PubMed ID: 30076350). This variant is reported in 0.22% of alleles in individuals of East Asian descent in gnomAD. At this time, the clinical significance of this variant is uncertain due to the absence of conclusive functional and genetic evidence.